The following is an entry in ClinVar:

NM_004586.3(RPS6KA3):c.898C>T (p.Arg300Ter)

Gene: RPS6KA3 (ribosomal protein S6 kinase A3; minus strand). Cytogenetic location: Xp22.12.
Variant type: single nucleotide variant.
Coding change: c.898C>T on transcript NM_004586.3 (MANE Select); coding-DNA position 898, C replaced by T.
Protein change: p.Arg300Ter; replaces arginine 300 with a stop codon.
Molecular consequence: nonsense.
Genome position (GRCh38, 1-based): chrX:20,177,032, G>A on the plus strand (C>T on the coding strand, the complement: RPS6KA3 is on the minus strand). VCF-style: chrX-20177032-G-A. GRCh37 (hg19) VCF-style: chrX-20195150-G-A.
Other names: short protein forms R300*.
Identifiers: ClinVar variation 816947 (VCV000816947.7), dbSNP rs1603422409, ClinGen allele CA412518306.

ClinVar aggregate classification (germline): Pathogenic. Review status: criteria provided, multiple submitters, no conflicts (2 of 4 stars). 3 submissions from 3 submitters: Pathogenic (3). Last evaluated 2024-02-23.

Conditions:
Coffin-Lowry syndrome (CLS). Also called: COFFIN-LOWRY SYNDROME, MILD; Mental retardation with osteocartilaginous abnormalities. Identifiers: Orphanet 192, MedGen C0265252, MONDO:0010561, OMIM 303600.
Intellectual developmental disorder, X-linked 19. Also called: Intellectual disability, X-linked 19. Identifiers: Orphanet 777, MedGen C0796225, MONDO:0010447, OMIM 300844.
RPS6KA3-related disorder. Also called: RPS6KA3-related condition.

Submissions (3):

Labcorp Genetics (formerly Invitae), Labcorp
Classification: Pathogenic for Coffin-Lowry syndrome; Intellectual developmental disorder, X-linked 19. Last evaluated: 2024-02-23. Review status: criteria provided, single submitter. Criteria: Invitae Variant Classification Sherloc (09022015). Collection method: clinical testing. Allele origin: germline.
Comment: This sequence change creates a premature translational stop signal (p.Arg300*) in the RPS6KA3 gene. It is expected to result in an absent or disrupted protein product. Loss-of-function variants in RPS6KA3 are known to be pathogenic (PMID: 9837815, 19888300). This variant is not present in population databases (gnomAD no frequency). This premature translational stop signal has been observed in individuals with Coffin-Lowry syndrome (PMID: 16879200, 26043507). ClinVar contains an entry for this variant (Variation ID: 816947). Algorithms developed to predict the effect of sequence changes on RNA splicing suggest that this variant may disrupt the consensus splice site. For these reasons, this variant has been classified as Pathogenic.

Blueprint Genetics
Classification: Pathogenic for RPS6KA3-related disorders. Last evaluated: 2023-12-21. Review status: criteria provided, single submitter. Criteria: ACMG Guidelines, 2015. Collection method: clinical testing. Allele origin: germline. Affected: yes. Observed: 1 variant allele.

GeneDx
Classification: Pathogenic. Last evaluated: 2019-02-27. Review status: criteria provided, single submitter. Criteria: GeneDx Variant Classification (06012015). Collection method: clinical testing. Allele origin: germline. Affected: yes.
Comment: The R300X variant in the RPS6KA3 gene has been reported previously as hemizygous in multiple males with Coffin-Lowry syndrome (Delaunoy et al., 2006; Tos et al., 2015). This variant is predicted to cause loss of normal protein function either through protein truncation or nonsense-mediated mRNA decay. The R300X variant is not observed in large population cohorts (Lek et al., 2016). We interpret R300X as a pathogenic variant consistent with the clinical features reported in this individual.

Literature cited by the submitters: PubMed 9837815 (cited by Labcorp Genetics (formerly Invitae), Labcorp); PubMed 19888300 (cited by Labcorp Genetics (formerly Invitae), Labcorp); PubMed 16879200 (cited by Labcorp Genetics (formerly Invitae), Labcorp); PubMed 26043507 (cited by Labcorp Genetics (formerly Invitae), Labcorp).